The following is an entry in ClinVar:

NM_006218.4(PIK3CA):c.2188G>A (p.Val730Ile)

Gene: PIK3CA (phosphatidylinositol-4,5-bisphosphate 3-kinase catalytic subunit alpha; plus strand). Cytogenetic location: 3q26.32.
Variant type: single nucleotide variant.
Coding change: c.2188G>A on transcript NM_006218.4 (MANE Select); coding-DNA position 2188, G replaced by A.
Protein change: p.Val730Ile; replaces valine 730 with isoleucine.
Molecular consequence: missense variant.
Genome position (GRCh38, 1-based): chr3:179,224,081, G>A. VCF-style: chr3-179224081-G-A. GRCh37 (hg19) VCF-style: chr3-178941869-G-A.
Other names: short protein forms V730I.
Identifiers: ClinVar variation 2853272 (VCV002853272.3), dbSNP rs2108416623, ClinGen allele CA355269919.

ClinVar aggregate classification (germline): Uncertain significance (1 of 4 stars; one submission).

Conditions:
Cowden syndrome (CS). Also called: Cowden's disease; Cowden's syndrome; Cowden disease. Identifiers: Orphanet 201, MedGen C0018553, MONDO:0016063. Disease mechanism: gain of function.

Submission:

Labcorp Genetics (formerly Invitae), Labcorp
Classification: Uncertain significance for Cowden syndrome. Last evaluated: 2023-04-07. Review status: criteria provided, single submitter. Criteria: Invitae Variant Classification Sherloc (09022015). Collection method: clinical testing. Allele origin: germline.
Comment: In summary, the available evidence is currently insufficient to determine the role of this variant in disease. Therefore, it has been classified as a Variant of Uncertain Significance. An algorithm developed to predict the effect of missense changes on protein structure and function (PolyPhen-2) suggests that this variant is likely to be tolerated. This variant has not been reported in the literature in individuals affected with PIK3CA-related conditions. This variant is not present in population databases (gnomAD no frequency). This sequence change replaces valine, which is neutral and non-polar, with isoleucine, which is neutral and non-polar, at codon 730 of the PIK3CA protein (p.Val730Ile).